The following is an entry in ClinVar:

ClinVar aggregate classification (germline): Benign (1 of 4 stars; one submission).

Allele frequency attached by ClinVar (database versions not stated): 1000 Genomes Project 0.59864; 1000 Genomes Project 30x 0.60244; gnomAD 0.62990 and 0.64124; TOPMed 0.63684.
gnomAD v4.1: 95,785 of 151,968 alleles (63%); highest among the groups gnomAD compares: African/African-American, 79%; 31,128 homozygotes.

Submission:

GeneDx
Classification: Benign. Last evaluated: 2018-06-16. Review status: criteria provided, single submitter. Criteria: GeneDx Variant Classification (06012015). Collection method: clinical testing. Allele origin: germline. Affected: yes.
Comment: This variant is considered likely benign or benign based on one or more of the following criteria: it is a conservative change, it occurs at a poorly conserved position in the protein, it is predicted to be benign by multiple in silico algorithms, and/or has population frequency not consistent with disease.

NM_001184.4(ATR):c.4503+247A>G

Gene: ATR (ATR checkpoint kinase; minus strand). Cytogenetic location: 3q23.
Variant type: single nucleotide variant.
Coding change: c.4503+247A>G on transcript NM_001184.4 (MANE Select); 247 bases into the intron after coding-DNA position 4503, A replaced by G.
Molecular consequence: intron variant.
Genome position (GRCh38, 1-based): chr3:142,515,148, T>C on the plus strand (A>G on the coding strand, the complement: ATR is on the minus strand). VCF-style: chr3-142515148-T-C. GRCh37 (hg19) VCF-style: chr3-142233990-T-C.
Other names: c.4311+247A>G (NM_001354579.2).
Identifiers: ClinVar variation 678105 (VCV000678105.1), dbSNP rs6791816, ClinGen allele CA84720338.
Genomic context (GRCh38, chr3:142,515,148, plus strand): 5'-CTCTGACATAGCATTTACATCCTTTTACATAGTATTATTTTACAATATAAAAGGAATAAA[T>C]GTAATTTTACACACACATTAAGACCATAGTAATTTTCTTGGTAAAACAATTACTTTTCAC-3'